The following is an entry in ClinVar:

ClinVar aggregate classification (germline): Uncertain significance (1 of 4 stars; one submission).

Conditions:
Hereditary cancer-predisposing syndrome. Also called: Neoplastic Syndromes, Hereditary; Tumor predisposition; Hereditary Cancer Syndrome; Hereditary neoplastic syndrome. Identifiers: Orphanet 140162, MedGen C0027672, MeSH D009386, MONDO:0015356.

Submission:

Ambry Genetics
Classification: Uncertain significance for Hereditary cancer-predisposing syndrome. Last evaluated: 2021-10-13. Review status: criteria provided, single submitter. Criteria: Ambry Variant Classification Scheme 2023. Collection method: clinical testing. Allele origin: germline.
Comment: The p.P562Q variant (also known as c.1685C>A), located in coding exon 5 of the AXIN2 gene, results from a C to A substitution at nucleotide position 1685. The proline at codon 562 is replaced by glutamine, an amino acid with similar properties. This amino acid position is conserved. In addition, this alteration is predicted to be tolerated by in silico analysis. Since supporting evidence is limited at this time, the clinical significance of this alteration remains unclear.

NM_004655.4(AXIN2):c.1685C>A (p.Pro562Gln)

Gene: AXIN2 (axin 2; minus strand). Cytogenetic location: 17q24.1.
Variant type: single nucleotide variant.
Coding change: c.1685C>A on transcript NM_004655.4 (MANE Select); coding-DNA position 1685, C replaced by A.
Protein change: p.Pro562Gln; replaces proline 562 with glutamine.
Molecular consequence: missense variant.
Genome position (GRCh38, 1-based): chr17:65,537,351, G>T on the plus strand (C>A on the coding strand, the complement: AXIN2 is on the minus strand). VCF-style: chr17-65537351-G-T. GRCh37 (hg19) VCF-style: chr17-63533469-G-T.
Other names: c.1685C>A, p.Pro562Gln (NM_001363813.1); short protein forms P562Q.
Identifiers: ClinVar variation 1777985 (VCV001777985.2), dbSNP rs149764887, ClinGen allele CA400676840.
Genomic context (GRCh38, chr17:65,537,351, plus strand): 5'-CACACGGGACACTGCGGTCCGCCCGGCACTTACCCAAACTGCTCGCTGGGCATGGTTTCC[G>T]GAGCCTTGGAGTGGCTTTTGCATTTCGAGTAGCAGTAATACTCGCTGCCCCCAGGGCAGA-3'
Protein context (NP_004646.3, residues 552-572): YSKCKSHSKA[Pro562Gln]ETMPSEQFGG